The following is an entry in ClinVar:

ClinVar aggregate classification (germline): Likely benign (0 of 4 stars; one submission).

Conditions:
SCN4A-related disorder. Also called: SCN4A-related disorders.

Submission:

PreventionGenetics, part of Exact Sciences
Classification: Likely benign for SCN4A-related condition. Last evaluated: 2023-06-06. Review status: no assertion criteria provided. Collection method: clinical testing. Allele origin: germline.
Comment: This variant is classified as likely benign based on ACMG/AMP sequence variant interpretation guidelines (Richards et al. 2015 PMID: 25741868, with internal and published modifications).

NM_000334.4(SCN4A):c.3699C>G (p.Gly1233=)

Genes: GH-LCR (growth hormone locus control region; plus strand), SCN4A (sodium voltage-gated channel alpha subunit 4; minus strand). Cytogenetic location: 17q23.3.
Variant type: single nucleotide variant.
Coding change: c.3699C>G on transcript NM_000334.4 (MANE Select); coding-DNA position 3699, C replaced by G.
Protein change: p.Gly1233=; no amino-acid change (glycine 1233 retained).
Molecular consequence: synonymous variant.
Genome position (GRCh38, 1-based): chr17:63,945,381, G>C on the plus strand (C>G on the coding strand, the complement: SCN4A is on the minus strand). VCF-style: chr17-63945381-G-C. GRCh37 (hg19) VCF-style: chr17-62022741-G-C.
Identifiers: ClinVar variation 3052447 (VCV003052447.2), dbSNP rs2509290573, ClinGen allele CA501348592.
Genomic context (GRCh38, chr17:63,945,381, plus strand): 5'-CCATCCAGGTTCCCGGCAGGGGTGGTGGGTCACACTCACCACCTGCAGGAGGGAGAGGTA[G>C]CCCAGACCCACGTTGTCGTAGTTGACCTTGACATTGAGCCAGCGGACCTGGCCTGTGTGC-3'
Protein context (NP_000325.4, residues 1223-1243): VKVNYDNVGL[Gly1233=]YLSLLQVATF